The following is an entry in ClinVar:

ClinVar aggregate classification (germline): Uncertain significance (1 of 4 stars; one submission).

gnomAD v4.1: 1 of 1,535,858 alleles (0.000065%); highest among the groups gnomAD compares: Non-Finnish European, 0.000087%; no homozygotes.

Submission:

Labcorp Genetics (formerly Invitae), Labcorp
Classification: Uncertain significance. Last evaluated: 2024-07-18. Review status: criteria provided, single submitter. Criteria: Invitae Variant Classification Sherloc (09022015). Collection method: clinical testing. Allele origin: germline.
Comment: This sequence change replaces alanine, which is neutral and non-polar, with proline, which is neutral and non-polar, at codon 73 of the BBIP1 protein (p.Ala73Pro). This variant is not present in population databases (gnomAD no frequency). This variant has not been reported in the literature in individuals affected with BBIP1-related conditions. An algorithm developed to predict the effect of missense changes on protein structure and function (PolyPhen-2) suggests that this variant is likely to be disruptive. In summary, the available evidence is currently insufficient to determine the role of this variant in disease. Therefore, it has been classified as a Variant of Uncertain Significance.

NM_001195305.3(BBIP1):c.217G>C (p.Ala73Pro)

Gene: BBIP1 (BBSome interacting protein 1; minus strand). Cytogenetic location: 10q25.2.
Variant type: single nucleotide variant.
Coding change: c.217G>C on transcript NM_001195305.3 (MANE Select); coding-DNA position 217, G replaced by C.
Protein change: p.Ala73Pro; replaces alanine 73 with proline.
Molecular consequence: missense variant. On other transcripts: 3 prime UTR variant (1).
Genome position (GRCh38, 1-based): chr10:110,900,422, C>G on the plus strand (G>C on the coding strand, the complement: BBIP1 is on the minus strand). VCF-style: chr10-110900422-C-G. GRCh37 (hg19) VCF-style: chr10-112660180-C-G.
Other names: c.*62G>C (NM_001195304.2); c.217G>C, p.Ala73Pro (NM_001195306.2); c.142G>C, p.Ala48Pro (NM_001195307.2); c.151G>C, p.Ala51Pro (NM_001243783.3); short protein forms A48P, A51P, A73P.
Identifiers: ClinVar variation 3653381 (VCV003653381.2).